The following is an entry in ClinVar:

NM_032806.6(POMGNT2):c.961G>A (p.Val321Met)

Gene: POMGNT2 (protein O-linked mannose N-acetylglucosaminyltransferase 2 (beta 1,4-); minus strand). Cytogenetic location: 3p22.1.
Variant type: single nucleotide variant.
Coding change: c.961G>A on transcript NM_032806.6 (MANE Select); coding-DNA position 961, G replaced by A.
Protein change: p.Val321Met; replaces valine 321 with methionine.
Molecular consequence: missense variant.
Genome position (GRCh38, 1-based): chr3:43,080,471, C>T on the plus strand (G>A on the coding strand, the complement: POMGNT2 is on the minus strand). VCF-style: chr3-43080471-C-T. GRCh37 (hg19) VCF-style: chr3-43121963-C-T.
Other names: short protein forms V321M.
Identifiers: ClinVar variation 1435385 (VCV001435385.5), dbSNP rs918587505, ClinGen allele CA74243247.

ClinVar aggregate classification (germline): Uncertain significance (1 of 4 stars; one submission).

Conditions:
Muscular dystrophy-dystroglycanopathy (congenital with brain and eye anomalies), type a, 8 (MDDGA8). Also called: WALKER-WARBURG SYNDROME OR MUSCLE-EYE-BRAIN DISEASE, GTDC2-RELATED. Identifiers: Orphanet 899, MedGen C3553813, MONDO:0013904, OMIM 614830.

Allele frequency attached by ClinVar (database versions not stated): gnomAD exomes below 0.00001 and 0.00001; gnomAD 0.00001.
gnomAD v4.1: 4 of 1,614,078 alleles (0.00025%); highest among the groups gnomAD compares: East Asian, 0.0089%; no homozygotes.

Submission:

Labcorp Genetics (formerly Invitae), Labcorp
Classification: Uncertain significance for Muscular dystrophy-dystroglycanopathy (congenital with brain and eye anomalies), type a, 8. Last evaluated: 2022-02-10. Review status: criteria provided, single submitter. Criteria: Invitae Variant Classification Sherloc (09022015). Collection method: clinical testing. Allele origin: germline.
Comment: This sequence change replaces valine, which is neutral and non-polar, with methionine, which is neutral and non-polar, at codon 321 of the POMGNT2 protein (p.Val321Met). This variant is present in population databases (no rsID available, gnomAD 0.02%). This variant has not been reported in the literature in individuals affected with POMGNT2-related conditions. Algorithms developed to predict the effect of missense changes on protein structure and function are either unavailable or do not agree on the potential impact of this missense change (SIFT: "Deleterious"; PolyPhen-2: "Probably Damaging"; Align-GVGD: "Class C15"). In summary, the available evidence is currently insufficient to determine the role of this variant in disease. Therefore, it has been classified as a Variant of Uncertain Significance.